The following is an entry in ClinVar:

NM_001122955.4(BSCL2):c.1024G>C (p.Asp342His)

Genes: HNRNPUL2-BSCL2 (HNRNPUL2-BSCL2 readthrough (NMD candidate); minus strand), BSCL2 (BSCL2 lipid droplet biogenesis associated, seipin; minus strand). Cytogenetic location: 11q12.3.
Variant type: single nucleotide variant.
Coding change: c.1024G>C on transcript NM_001122955.4 (MANE Select); coding-DNA position 1024, G replaced by C.
Protein change: p.Asp342His; replaces aspartic acid 342 with histidine.
Molecular consequence: missense variant. On other transcripts: non-coding transcript variant (1).
Genome position (GRCh38, 1-based): chr11:62,691,123, C>G on the plus strand (G>C on the coding strand, the complement: BSCL2 is on the minus strand). VCF-style: chr11-62691123-C-G. GRCh37 (hg19) VCF-style: chr11-62458595-C-G.
Other names: c.690G>C, p.Glu230Asp (NM_001130702.2); c.1024G>C, p.Asp342His (NM_001386027.1, NM_001386028.1); c.832G>C, p.Asp278His (NM_032667.6); short protein forms D342H, D278H, E230D.
Identifiers: ClinVar variation 2051664 (VCV002051664.4), dbSNP rs1222755300, ClinGen allele CA380958391.

ClinVar aggregate classification (germline): Uncertain significance (1 of 4 stars; one submission).

Conditions:
Charcot-Marie-Tooth disease type 2. Also called: Charcot-Marie-Tooth type 2. Identifiers: Orphanet 64746, MedGen C0270914, MONDO:0018993.

Allele frequency attached by ClinVar (database versions not stated): gnomAD exomes below 0.00001; TOPMed below 0.00001; gnomAD 0.00001.
gnomAD v4.1: 4 of 1,614,122 alleles (0.00025%); highest among the groups gnomAD compares: African/African-American, 0.0027%; no homozygotes.

Submission:

Labcorp Genetics (formerly Invitae), Labcorp
Classification: Uncertain significance for Charcot-Marie-Tooth disease type 2. Last evaluated: 2022-04-21. Review status: criteria provided, single submitter. Criteria: Invitae Variant Classification Sherloc (09022015). Collection method: clinical testing. Allele origin: germline.
Comment: This variant is not present in population databases (gnomAD no frequency). This sequence change replaces aspartic acid, which is acidic and polar, with histidine, which is basic and polar, at codon 278 of the BSCL2 protein (p.Asp278His). In summary, the available evidence is currently insufficient to determine the role of this variant in disease. Therefore, it has been classified as a Variant of Uncertain Significance. Algorithms developed to predict the effect of missense changes on protein structure and function are either unavailable or do not agree on the potential impact of this missense change (SIFT: "Deleterious"; PolyPhen-2: "Benign"; Align-GVGD: "Class C0"). This variant has not been reported in the literature in individuals affected with BSCL2-related conditions.